The following is an entry in ClinVar:

NM_139125.4(MASP1):c.1352T>C (p.Ile451Thr)

Gene: MASP1 (MBL associated serine protease 1; minus strand). Cytogenetic location: 3q27.3.
Variant type: single nucleotide variant.
Coding change: c.1352T>C on transcript NM_139125.4 (MANE Select); coding-DNA position 1352, T replaced by C.
Protein change: p.Ile451Thr; replaces isoleucine 451 with threonine.
Molecular consequence: missense variant. On other transcripts: non-coding transcript variant (1), intron variant (1).
Genome position (GRCh38, 1-based): chr3:187,236,519, A>G on the plus strand (T>C on the coding strand, the complement: MASP1 is on the minus strand). VCF-style: chr3-187236519-A-G. GRCh37 (hg19) VCF-style: chr3-186954307-A-G.
Other names: c.1303+4962T>C (NM_001879.6); c.1352T>C (NM_139125.3); short protein forms I451T.
Identifiers: ClinVar variation 1176166 (VCV001176166.40), dbSNP rs200641208, ClinGen allele CA2749278.

ClinVar aggregate classification (germline): Conflicting classifications of pathogenicity. Review status: criteria provided, conflicting classifications (1 of 4 stars). 4 submissions from 4 submitters: Uncertain significance (2); Likely benign (2). Last evaluated 2025-05-19.

Conditions:
3MC syndrome 1. Also called: MICHELS SYNDROME; CRANIOSYNOSTOSIS WITH LID ANOMALIES; OCULOPALATOSKELETAL SYNDROME. Identifiers: Orphanet 293843, MedGen C0796059, MONDO:0009770, OMIM 257920.
Inborn genetic diseases. Identifiers: MedGen C0950123, MeSH D030342.

Allele frequency attached by ClinVar (database versions not stated): ExAC 0.00008; gnomAD exomes 0.00008 and 0.00015; ESP Exome Variant Server 0.00015; gnomAD 0.00042 and 0.00043.
gnomAD v4.1: 183 of 1,613,916 alleles (0.011%); highest among the groups gnomAD compares: Admixed American, 0.13%; 3 homozygotes.

Submissions (4):

Labcorp Genetics (formerly Invitae), Labcorp
Classification: Uncertain significance for 3MC syndrome 1. Last evaluated: 2025-05-19. Review status: criteria provided, single submitter. Criteria: Invitae Variant Classification Sherloc (09022015). Collection method: clinical testing. Allele origin: germline.
Comment: This sequence change replaces isoleucine, which is neutral and non-polar, with threonine, which is neutral and polar, at codon 451 of the MASP1 protein (p.Ile451Thr). This variant is present in population databases (rs200641208, gnomAD 0.07%), including at least one homozygous and/or hemizygous individual. This variant has not been reported in the literature in individuals affected with MASP1-related conditions. ClinVar contains an entry for this variant (Variation ID: 1176166). An algorithm developed to predict the effect of missense changes on protein structure and function (PolyPhen-2) suggests that this variant is likely to be tolerated. In summary, the available evidence is currently insufficient to determine the role of this variant in disease. Therefore, it has been classified as a Variant of Uncertain Significance.

Ambry Genetics
Classification: Uncertain significance for Inborn genetic diseases. Last evaluated: 2024-12-11. Review status: criteria provided, single submitter. Criteria: Ambry Variant Classification Scheme 2023. Collection method: clinical testing. Allele origin: germline.

Blueprint Genetics
Classification: Likely benign. Last evaluated: 2024-09-25. Review status: criteria provided, single submitter. Criteria: ACMG Guidelines, 2015. Collection method: clinical testing. Allele origin: germline.

CeGaT Center for Human Genetics Tuebingen
Classification: Likely benign. Last evaluated: 2024-03-01. Review status: criteria provided, single submitter. Criteria: CeGaT Center For Human Genetics Tuebingen Variant Classification Criteria Version 2. Collection method: clinical testing. Allele origin: germline. Affected: yes. Observed: 2 variant alleles.
Comment: MASP1: PP3, BS2